The following is an entry in ClinVar:

ClinVar aggregate classification (germline): Uncertain significance (1 of 4 stars; one submission).

Conditions:
Cardiovascular phenotype. Identifiers: MedGen CN230736.
Hereditary cancer-predisposing syndrome. Also called: Tumor predisposition; Hereditary neoplastic syndrome; Neoplastic Syndromes, Hereditary; Hereditary Cancer Syndrome. Identifiers: Orphanet 140162, MedGen C0027672, MeSH D009386, MONDO:0015356.

Submission:

Ambry Genetics
Classification: Uncertain significance for Cardiovascular phenotype; Hereditary cancer-predisposing syndrome. Last evaluated: 2025-05-07. Review status: criteria provided, single submitter. Criteria: Ambry Variant Classification Scheme 2023. Collection method: clinical testing. Allele origin: germline.
Comment: The p.L591P variant (also known as c.1772T>C), located in coding exon 15 of the LZTR1 gene, results from a T to C substitution at nucleotide position 1772. The leucine at codon 591 is replaced by proline, an amino acid with similar properties. This amino acid position is conserved. In addition, this alteration is predicted to be deleterious by in silico analysis. Based on the available evidence, the clinical significance of this variant remains unclear.

NM_006767.4(LZTR1):c.1772T>C (p.Leu591Pro)

Gene: LZTR1 (leucine zipper like post translational regulator 1; plus strand). Cytogenetic location: 22q11.21.
Variant type: single nucleotide variant.
Coding change: c.1772T>C on transcript NM_006767.4 (MANE Select); coding-DNA position 1772, T replaced by C.
Protein change: p.Leu591Pro; replaces leucine 591 with proline.
Molecular consequence: missense variant.
Genome position (GRCh38, 1-based): chr22:20,994,714, T>C. VCF-style: chr22-20994714-T-C. GRCh37 (hg19) VCF-style: chr22-21349003-T-C.
Other names: short protein forms L591P.
Identifiers: ClinVar variation 3992924 (VCV003992924.1).
Genomic context (GRCh38, chr22:20,994,714, plus strand): 5'-AGGCCTCCGTGGACCTGCAGAACGTGCTGGTTGTGTGCGAGAGTGCCGCCCGGCTGCAGC[T>C]GAGCCAACTCAAGGTGTGGGGTGGGGTCAGCGCAATCAGGGTTGGGTGGGGTGTGCTCAG-3'
Protein context (NP_006758.2, residues 581-601): VVCESAARLQ[Leu591Pro]SQLKEHCLNF